The following is an entry in ClinVar:

NM_001829.4(CLCN3):c.1124T>G (p.Val375Gly)

Gene: CLCN3 (Cl-/H+ antiporter 3; plus strand). Cytogenetic location: 4q33.
Variant type: single nucleotide variant.
Coding change: c.1124T>G on transcript NM_001829.4 (MANE Select); coding-DNA position 1124, T replaced by G.
Protein change: p.Val375Gly; replaces valine 375 with glycine.
Molecular consequence: missense variant.
Genome position (GRCh38, 1-based): chr4:169,697,295, T>G. VCF-style: chr4-169697295-T-G. GRCh37 (hg19) VCF-style: chr4-170618446-T-G.
Other names: c.1043T>G, p.Val348Gly (NM_001243372.2, NM_001243374.2); c.1124T>G, p.Val375Gly (NM_173872.4); short protein forms V348G, V375G.
Identifiers: ClinVar variation 5018831 (VCV005018831.2).

ClinVar aggregate classification (germline): Uncertain significance (1 of 4 stars; one submission).

Conditions:
Neurodevelopmental disorder with hypotonia and brain abnormalities. Identifiers: MedGen C5561977, MONDO:0859187, OMIM 619512.
Neurodevelopmental disorder with seizures and brain abnormalities. Identifiers: MedGen C5561979, MONDO:0859188, OMIM 619517.

Submission:

Juno Genomics, Hangzhou Juno Genomics, Inc
Classification: Uncertain significance for Neurodevelopmental disorder with seizures and brain abnormalities; Neurodevelopmental disorder with hypotonia and brain abnormalities. Review status: criteria provided, single submitter. Criteria: ACMG Guidelines, 2015. Collection method: clinical testing. Allele origin: germline.
Comment: Absent from controls (or at extremely low frequency if recessive) in Genome Aggregation Database.;Missense variant in a gene that has a low rate of benign missense variation.;Multiple lines of computational evidence support a deleterious effect on the gene or gene product.